The following is an entry in ClinVar:

NM_001572.5(IRF7):c.718G>A (p.Val240Ile)

Gene: IRF7 (interferon regulatory factor 7; minus strand). Cytogenetic location: 11p15.5.
Variant type: single nucleotide variant.
Coding change: c.718G>A on transcript NM_001572.5 (MANE Select); coding-DNA position 718, G replaced by A.
Protein change: p.Val240Ile; replaces valine 240 with isoleucine.
Molecular consequence: missense variant. On other transcripts: intron variant (1).
Genome position (GRCh38, 1-based): chr11:613,999, C>T on the plus strand (G>A on the coding strand, the complement: IRF7 is on the minus strand). VCF-style: chr11-613999-C-T. GRCh37 (hg19) VCF-style: chr11-613999-C-T.
Other names: c.757G>A, p.Val253Ile (NM_004031.4); c.680-134G>A (NM_004029.4); short protein forms V253I, V240I.
Identifiers: ClinVar variation 1505291 (VCV001505291.8), dbSNP rs773399071, ClinGen allele CA378980266.

ClinVar aggregate classification (germline): Uncertain significance (1 of 4 stars; one submission).

Conditions:
Immunodeficiency 39 (IMD39). Identifiers: Orphanet 574918, MedGen C4225358, MONDO:0014597, OMIM 616345.

Submission:

Labcorp Genetics (formerly Invitae), Labcorp
Classification: Uncertain significance for Immunodeficiency 39. Last evaluated: 2021-07-18. Review status: criteria provided, single submitter. Criteria: Invitae Variant Classification Sherloc (09022015). Collection method: clinical testing. Allele origin: germline.
Comment: In summary, the available evidence is currently insufficient to determine the role of this variant in disease. Therefore, it has been classified as a Variant of Uncertain Significance. This sequence change replaces valine with isoleucine at codon 253 of the IRF7 protein (p.Val253Ile). The valine residue is weakly conserved and there is a small physicochemical difference between valine and isoleucine. This variant is not present in population databases (ExAC no frequency). This variant has not been reported in the literature in individuals with IRF7-related conditions. Algorithms developed to predict the effect of missense changes on protein structure and function (SIFT, PolyPhen-2, Align-GVGD) all suggest that this variant is likely to be tolerated, but these predictions have not been confirmed by published functional studies and their clinical significance is uncertain.